The following is an entry in ClinVar:

NM_000937.5(POLR2A):c.5885G>T (p.Ser1962Ile)

Gene: POLR2A (RNA polymerase II subunit A; plus strand). Cytogenetic location: 17p13.1.
Variant type: single nucleotide variant.
Coding change: c.5885G>T on transcript NM_000937.5 (MANE Select); coding-DNA position 5885, G replaced by T.
Protein change: p.Ser1962Ile; replaces serine 1962 with isoleucine.
Molecular consequence: missense variant.
Genome position (GRCh38, 1-based): chr17:7,514,151, G>T. VCF-style: chr17-7514151-G-T. GRCh37 (hg19) VCF-style: chr17-7417468-G-T.
Other names: short protein forms S1962I.
Identifiers: ClinVar variation 2572218 (VCV002572218.1), dbSNP rs1016159691, ClinGen allele CA397840568.

ClinVar aggregate classification (germline): Uncertain significance (1 of 4 stars; one submission).

Submission:

Greenwood Genetic Center Diagnostic Laboratories, Greenwood Genetic Center
Classification: Uncertain significance. Last evaluated: 2023-05-15. Review status: criteria provided, single submitter. Criteria: ACMG Guidelines, 2015. Collection method: clinical testing. Allele origin: germline. Affected: yes.
Comment: PM2, PP2